The following is an entry in ClinVar:

NM_006514.4(SCN10A):c.1205A>C (p.Glu402Ala)

Gene: SCN10A (sodium voltage-gated channel alpha subunit 10; minus strand). Cytogenetic location: 3p22.2.
Variant type: single nucleotide variant.
Coding change: c.1205A>C on transcript NM_006514.4 (MANE Select); coding-DNA position 1205, A replaced by C.
Protein change: p.Glu402Ala; replaces glutamic acid 402 with alanine.
Molecular consequence: missense variant.
Genome position (GRCh38, 1-based): chr3:38,756,759, T>G on the plus strand (A>C on the coding strand, the complement: SCN10A is on the minus strand). VCF-style: chr3-38756759-T-G. GRCh37 (hg19) VCF-style: chr3-38798250-T-G.
Other names: c.1205A>C, p.Glu402Ala (NM_001293306.2, NM_001293307.2); short protein forms E402A.
Identifiers: ClinVar variation 2448841 (VCV002448841.3), dbSNP rs2470791169, ClinGen allele CA352169743.

ClinVar aggregate classification (germline): Uncertain significance (1 of 4 stars; one submission).

Conditions:
Cardiovascular phenotype. Identifiers: MedGen CN230736.

Submission:

Ambry Genetics
Classification: Uncertain significance for Cardiovascular phenotype. Last evaluated: 2025-04-03. Review status: criteria provided, single submitter. Criteria: Ambry Variant Classification Scheme 2023. Collection method: clinical testing. Allele origin: germline.
Comment: The p.E402A variant (also known as c.1205A>C), located in coding exon 9 of the SCN10A gene, results from an A to C substitution at nucleotide position 1205. The glutamic acid at codon 402 is replaced by alanine, an amino acid with dissimilar properties. This amino acid position is well conserved in available vertebrate species. In addition, this alteration is predicted to be deleterious by in silico analysis. The evidence for this gene-disease relationship is limited; therefore, the clinical significance of this alteration is unclear.